The following is an entry in ClinVar:

NM_007055.4(POLR3A):c.2248-4C>G

Gene: POLR3A (RNA polymerase III subunit A; minus strand). Cytogenetic location: 10q22.3.
Variant type: single nucleotide variant.
Coding change: c.2248-4C>G on transcript NM_007055.4 (MANE Select); 4 bases into the intron before coding-DNA position 2248, C replaced by G.
Molecular consequence: intron variant.
Genome position (GRCh38, 1-based): chr10:78,002,312, G>C on the plus strand (C>G on the coding strand, the complement: POLR3A is on the minus strand). VCF-style: chr10-78002312-G-C. GRCh37 (hg19) VCF-style: chr10-79762070-G-C.
Identifiers: ClinVar variation 2240457 (VCV002240457.2), dbSNP rs2493209661, ClinGen allele CA2574591719.

ClinVar aggregate classification (germline): Uncertain significance (1 of 4 stars; one submission).

Conditions:
Inborn genetic diseases. Identifiers: MedGen C0950123, MeSH D030342.

gnomAD v4.1: 3 of 1,570,874 alleles (0.00019%); highest among the groups gnomAD compares: South Asian, 0.0012%; no homozygotes.

Submission:

Ambry Genetics
Classification: Uncertain significance for Inborn genetic diseases. Last evaluated: 2021-09-07. Review status: criteria provided, single submitter. Criteria: Ambry Variant Classification Scheme 2023. Collection method: clinical testing. Allele origin: germline.
Comment: The c.2248-4C>G intronic alteration consists of a C to G substitution 4 nucleotides before coding exon 17 in the POLR3A gene. Based on insufficient or conflicting evidence, the clinical significance of this alteration remains unclear.